The following is an entry in ClinVar:

ClinVar aggregate classification (germline): Uncertain significance (1 of 4 stars; one submission).

Submission:

Labcorp Genetics (formerly Invitae), Labcorp
Classification: Uncertain significance. Last evaluated: 2022-06-16. Review status: criteria provided, single submitter. Criteria: Invitae Variant Classification Sherloc (09022015). Collection method: clinical testing. Allele origin: germline.
Comment: In summary, the available evidence is currently insufficient to determine the role of this variant in disease. Therefore, it has been classified as a Variant of Uncertain Significance. Experimental studies and prediction algorithms are not available or were not evaluated, and the functional significance of this variant is currently unknown. This variant has not been reported in the literature in individuals affected with MYO18B-related conditions. This variant is a gross deletion of the genomic region encompassing exon(s) 37-38 of the MYO18B gene. This variant would be expected to be in-frame, preserving the integrity of the reading frame.

NC_000022.10:g.(?_26346313)_(26348409_?)del

Gene: MYO18B (myosin XVIIIB; plus strand). Cytogenetic location: 22q12.1.
Variant type: Deletion.
Identifiers: ClinVar variation 2427051 (VCV002427051.4).